The following is an entry in ClinVar:

NM_004380.3(CREBBP):c.6384_6401del (p.Gln2128_Met2133del)

Gene: CREBBP (CREB binding lysine acetyltransferase; minus strand). Cytogenetic location: 16p13.3.
Variant type: Deletion.
Coding change: c.6384_6401del on transcript NM_004380.3 (MANE Select); coding-DNA positions 6384 to 6401, 18 bases deleted (ACCCCAGCCTGGCATGCA).
Protein change: p.Gln2128_Met2133del.
Molecular consequence: inframe deletion.
Genome position (GRCh38, 1-based): chr16:3,728,646-3,728,663, TGCATGCCAGGCTGGGGT deleted on the plus strand (ACCCCAGCCTGGCATGCA on the coding strand, the reverse complement: CREBBP is on the minus strand); deleting any 18 consecutive bases within chr16:3,728,646-3,728,671 gives the same sequence; the c. name uses the placement nearest the transcript's 3' end. VCF-style (leftmost placement, unchanged base first): chr16-3728645-GTGCATGCCAGGCTGGGGT-G. GRCh37 (hg19) VCF-style: chr16-3778646-GTGCATGCCAGGCTGGGGT-G.
Other names: c.6270_6287del, p.Gln2090_Met2095del (NM_001079846.1); c.6384_6401del18 (NM_004380.2); c.6384_6401delACCCCAGCCTGGCATGCA (NM_004380.2).
Identifiers: ClinVar variation 650857 (VCV000650857.13), dbSNP rs772003652, ClinGen allele CA7869120.
Genomic context (GRCh38, chr16:3,728,645, plus strand): 5'-CACACCGGGCCGCGGCACGCCAGCCTGCATGGCATTCAGGTTCTGCAGGCTGGGCTGCTG[GTGCATGCCAGGCTGGGGT>G]TGCATGCCGGGCTGGGACTGGAGGCCAGGCTGGGGCTGCATGCCGGGCTGATTGGCCACG-3'

ClinVar aggregate classification (germline): Uncertain significance. Review status: criteria provided, multiple submitters, no conflicts (2 of 4 stars). 3 submissions from 3 submitters: Uncertain significance (2). 1 of the submissions does not count toward it. Last evaluated 2025-12-18.

Conditions:
CREBBP-related disorder. Also called: CREBBP-related condition; CREBBP-related disorders.
Rubinstein-Taybi syndrome (RSTS). Identifiers: Orphanet 783, MedGen C0035934, MONDO:0019188.

Submissions (3):

Labcorp Genetics (formerly Invitae), Labcorp
Classification: Uncertain significance for Rubinstein-Taybi syndrome. Last evaluated: 2025-12-18. Review status: criteria provided, single submitter. Criteria: Invitae Variant Classification Sherloc (09022015). Collection method: clinical testing. Allele origin: germline.
Comment: This variant, c.6384_6401del, results in the deletion of 6 amino acid(s) of the CREBBP protein (p.Gln2128_Met2133del), but otherwise preserves the integrity of the reading frame. This variant is present in population databases (rs772003652, gnomAD 0.03%). This variant has not been reported in the literature in individuals affected with CREBBP-related conditions. ClinVar contains an entry for this variant (Variation ID: 650857). Experimental studies and prediction algorithms are not available or were not evaluated, and the functional significance of this variant is currently unknown. In summary, the available evidence is currently insufficient to determine the role of this variant in disease. Therefore, it has been classified as a Variant of Uncertain Significance.

Revvity Omics, Revvity
Classification: Uncertain significance. Last evaluated: 2022-08-11. Review status: criteria provided, single submitter. Criteria: ACMG Guidelines, 2015. Collection method: clinical testing. Allele origin: germline.

PreventionGenetics, part of Exact Sciences
Classification: Likely benign for CREBBP-related condition. Last evaluated: 2022-10-17. Review status: no assertion criteria provided. Collection method: clinical testing. Allele origin: germline. Not counted in ClinVar's aggregate classification.
Comment: This variant is classified as likely benign based on ACMG/AMP sequence variant interpretation guidelines (Richards et al. 2015 PMID: 25741868, with internal and published modifications).